The following is an entry in ClinVar:

NM_001035.3(RYR2):c.5282T>C (p.Met1761Thr)

Gene: RYR2 (ryanodine receptor 2; plus strand). Cytogenetic location: 1q43.
Variant type: single nucleotide variant.
Coding change: c.5282T>C on transcript NM_001035.3 (MANE Select); coding-DNA position 5282, T replaced by C.
Protein change: p.Met1761Thr; replaces methionine 1761 with threonine.
Molecular consequence: missense variant.
Genome position (GRCh38, 1-based): chr1:237,614,410, T>C. VCF-style: chr1-237614410-T-C. GRCh37 (hg19) VCF-style: chr1-237777710-T-C.
Other names: short protein forms M1761T.
Identifiers: ClinVar variation 3895228 (VCV003895228.1).

ClinVar aggregate classification (germline): Uncertain significance (1 of 4 stars; one submission).

Conditions:
Cardiovascular phenotype. Identifiers: MedGen CN230736.

Submission:

Molecular Diagnostic Laboratory for Inherited Cardiovascular Disease, Montreal Heart Institute
Classification: Uncertain significance for Cardiovascular phenotype. Last evaluated: 2025-04-09. Review status: criteria provided, single submitter. Criteria: ACMG Guidelines, 2015. Collection method: clinical testing. Allele origin: germline. Affected: yes.
Comment: PM2, PP2